The following is an entry in ClinVar:

NM_020207.7(ERCC6L2):c.254A>G (p.Asp85Gly)

Gene: ERCC6L2 (ERCC excision repair 6 like 2; plus strand). Cytogenetic location: 9q22.32.
Variant type: single nucleotide variant.
Coding change: c.254A>G on transcript NM_020207.7 (MANE Select); coding-DNA position 254, A replaced by G.
Protein change: p.Asp85Gly; replaces aspartic acid 85 with glycine.
Molecular consequence: missense variant. On other transcripts: non-coding transcript variant (1).
Genome position (GRCh38, 1-based): chr9:95,881,076, A>G. VCF-style: chr9-95881076-A-G. GRCh37 (hg19) VCF-style: chr9-98643358-A-G.
Other names: c.254A>G, p.Asp85Gly (NM_001010895.4, NM_001375291.1, NM_001375292.1 and 2 more transcripts); short protein forms D85G.
Identifiers: ClinVar variation 4250599 (VCV004250599.1).

ClinVar aggregate classification (germline): Uncertain significance (1 of 4 stars; one submission).

Conditions:
Inborn genetic diseases. Identifiers: MedGen C0950123, MeSH D030342.

gnomAD v4.1: 1 of 1,613,528 alleles (0.000062%); highest among the groups gnomAD compares: Non-Finnish European, 0.000085%; no homozygotes.

Submission:

Ambry Genetics
Classification: Uncertain significance for Inborn genetic diseases. Last evaluated: 2025-07-28. Review status: criteria provided, single submitter. Criteria: Ambry Variant Classification Scheme 2023. Collection method: clinical testing. Allele origin: germline.
Comment: The p.D85G variant (also known as c.254A>G), located in coding exon 2 of the ERCC6L2 gene, results from an A to G substitution at nucleotide position 254. The aspartic acid at codon 85 is replaced by glycine, an amino acid with similar properties. This amino acid position is conserved. In addition, this alteration is predicted to be deleterious by in silico analysis. Based on the available evidence, the clinical significance of this variant remains unclear.